The following is an entry in ClinVar:

NM_021098.3(CACNA1H):c.3419G>A (p.Ser1140Asn)

Gene: CACNA1H (calcium voltage-gated channel subunit alpha1 H; plus strand). Cytogenetic location: 16p13.3.
Variant type: single nucleotide variant.
Coding change: c.3419G>A on transcript NM_021098.3 (MANE Select); coding-DNA position 3419, G replaced by A.
Protein change: p.Ser1140Asn; replaces serine 1140 with asparagine.
Molecular consequence: missense variant.
Genome position (GRCh38, 1-based): chr16:1,209,087, G>A. VCF-style: chr16-1209087-G-A. GRCh37 (hg19) VCF-style: chr16-1259087-G-A.
Other names: c.3419G>A, p.Ser1140Asn (NM_001005407.2); short protein forms S1140N.
Identifiers: ClinVar variation 4792897 (VCV004792897.1).

ClinVar aggregate classification (germline): Uncertain significance (1 of 4 stars; one submission).

Conditions:
Idiopathic generalized epilepsy. Also called: EIG; Generalised epilepsy. Identifiers: MedGen C0270850, MONDO:0005579, OMIM 600669.
Hyperaldosteronism, familial, type IV (HALD4). Also called: FH IV; ALDOSTERONISM, PRIMARY, AND HYPERTENSION. Identifiers: Orphanet 642671, MedGen C4310756, MONDO:0014875, OMIM 617027.

Submission:

Labcorp Genetics (formerly Invitae), Labcorp
Classification: Uncertain significance for Idiopathic generalized epilepsy; Hyperaldosteronism, familial, type IV. Last evaluated: 2025-05-27. Review status: criteria provided, single submitter. Criteria: Invitae Variant Classification Sherloc (09022015). Collection method: clinical testing. Allele origin: germline.
Comment: This sequence change replaces serine, which is neutral and polar, with asparagine, which is neutral and polar, at codon 1140 of the CACNA1H protein (p.Ser1140Asn). This variant is not present in population databases (gnomAD no frequency). This variant has not been reported in the literature in individuals affected with CACNA1H-related conditions. Invitae Evidence Modeling of protein sequence and biophysical properties (such as structural, functional, and spatial information, amino acid conservation, physicochemical variation, residue mobility, and thermodynamic stability) indicates that this missense variant is expected to disrupt CACNA1H protein function with a positive predictive value of 80%. In summary, the available evidence is currently insufficient to determine the role of this variant in disease. Therefore, it has been classified as a Variant of Uncertain Significance.